The following is an entry in ClinVar:

ClinVar aggregate classification (germline): Uncertain significance (1 of 4 stars; one submission).

Allele frequency attached by ClinVar (database versions not stated): TOPMed below 0.00001.
gnomAD v4.1: 1 of 1,613,570 alleles (0.000062%); highest among the groups gnomAD compares: Non-Finnish European, 0.000085%; no homozygotes.

Submission:

Labcorp Genetics (formerly Invitae), Labcorp
Classification: Uncertain significance. Last evaluated: 2022-02-08. Review status: criteria provided, single submitter. Criteria: Invitae Variant Classification Sherloc (09022015). Collection method: clinical testing. Allele origin: germline.
Comment: This variant is not present in population databases (gnomAD no frequency). In summary, the available evidence is currently insufficient to determine the role of this variant in disease. Therefore, it has been classified as a Variant of Uncertain Significance. Algorithms developed to predict the effect of missense changes on protein structure and function (SIFT, PolyPhen-2, Align-GVGD) all suggest that this variant is likely to be disruptive. This variant has not been reported in the literature in individuals affected with USH2A-related conditions. This sequence change replaces glutamic acid, which is acidic and polar, with aspartic acid, which is acidic and polar, at codon 3248 of the USH2A protein (p.Glu3248Asp).

NM_206933.4(USH2A):c.9744A>C (p.Glu3248Asp)

Gene: USH2A (usherin; minus strand). Cytogenetic location: 1q41.
Variant type: single nucleotide variant.
Coding change: c.9744A>C on transcript NM_206933.4 (MANE Select); coding-DNA position 9744, A replaced by C.
Protein change: p.Glu3248Asp; replaces glutamic acid 3248 with aspartic acid.
Molecular consequence: missense variant.
Genome position (GRCh38, 1-based): chr1:215,799,121, T>G on the plus strand (A>C on the coding strand, the complement: USH2A is on the minus strand). VCF-style: chr1-215799121-T-G. GRCh37 (hg19) VCF-style: chr1-215972463-T-G.
Other names: short protein forms E3248D.
Identifiers: ClinVar variation 1377533 (VCV001377533.8), dbSNP rs1662239120, ClinGen allele CA344850236.